The following is an entry in ClinVar:

NM_000179.3(MSH6):c.3749_3764del (p.His1250fs)

Gene: MSH6 (mutS homolog 6; plus strand). Cytogenetic location: 2p16.3.
Variant type: Deletion.
Coding change: c.3749_3764del on transcript NM_000179.3 (MANE Select); coding-DNA positions 3749 to 3764, 16 bases deleted (ATTCATTAGTAGAAGA).
Protein change: p.His1250fs; shifts the reading frame from histidine 1250.
Molecular consequence: frameshift variant.
Genome position (GRCh38, 1-based): chr2:47,806,306-47,806,321, ATTCATTAGTAGAAGA deleted. VCF-style (leftmost placement, unchanged base first): chr2-47806305-CATTCATTAGTAGAAGA-C. GRCh37 (hg19) VCF-style: chr2-48033444-CATTCATTAGTAGAAGA-C.
Other names: c.3452_3467del16, p.His1151Leufs (NM_001406797.1, NM_001406801.1, NM_001406805.1 and 10 more transcripts); c.3575_3590del16, p.His1192Leufs (NM_001406798.1); c.3224_3239del16, p.His1075Leufs (NM_001406799.1, NM_001406806.1, NM_001406807.1); c.3749_3764del16, p.His1250Leufs (NM_001406800.1, NM_001406808.1, NM_001406809.1 and 1 more transcripts); c.3845_3860del16, p.His1282Leufs (NM_001406802.1, NM_001406795.1); c.2885_2900del16, p.His962Leufs (NM_001406803.1); c.3671_3686del16, p.His1224Leufs (NM_001406804.1); c.2843_2858del16, p.His948Leufs (NM_001406811.1, NM_001406812.1, NM_001406814.1 and 4 more transcripts); and 8 more; short protein forms H1120fs, H948fs, H1250fs.
Identifiers: ClinVar variation 2104466 (VCV002104466.4), dbSNP rs2530845607, ClinGen allele CA2580067315.
Genomic context (GRCh38, chr2:47,806,305, plus strand): 5'-GCAGTTGTTAAAGAACTTGCTGAGACTATAAAATGTCGTACATTATTTTCAACTCACTAC[CATTCATTAGTAGAAGA>C]TTATTCTCAAAATGTTGCTGTGCGCCTAGGACATATGGTATGTGCAAATTGTTTTTTTCC-3'

ClinVar aggregate classification (germline): Pathogenic (1 of 4 stars; one submission).

Conditions:
Hereditary nonpolyposis colorectal neoplasms. Identifiers: MedGen C0009405, MeSH D003123.

Submission:

Labcorp Genetics (formerly Invitae), Labcorp
Classification: Pathogenic for Hereditary nonpolyposis colorectal neoplasms. Last evaluated: 2022-02-28. Review status: criteria provided, single submitter. Criteria: Invitae Variant Classification Sherloc (09022015). Collection method: clinical testing. Allele origin: germline.
Comment: For these reasons, this variant has been classified as Pathogenic. This variant has not been reported in the literature in individuals affected with MSH6-related conditions. This variant is not present in population databases (gnomAD no frequency). This sequence change creates a premature translational stop signal (p.His1250Leufs*10) in the MSH6 gene. It is expected to result in an absent or disrupted protein product. Loss-of-function variants in MSH6 are known to be pathogenic (PMID: 18269114, 24362816).

Literature cited by the submitters: PubMed 18269114; PubMed 24362816.